The following is an entry in ClinVar:

ClinVar aggregate classification (germline): Likely benign (1 of 4 stars; one submission).

Conditions:
CDC14A-related disorder. Also called: CDC14A-related condition.

gnomAD v4.1: 4 of 1,614,046 alleles (0.00025%); highest among the groups gnomAD compares: Admixed American, 0.0017%; no homozygotes.

Submission:

PreventionGenetics, part of Exact Sciences
Classification: Likely benign for CDC14A-related condition. Last evaluated: 2026-09-06. Review status: criteria provided, single submitter. Criteria: ACMG Guidelines, 2015. Collection method: clinical testing. Allele origin: germline.
Comment: This variant is classified as likely benign based on ACMG/AMP sequence variant interpretation guidelines (Richards et al. 2015 PMID: 25741868, with internal and published modifications).

NM_003672.4(CDC14A):c.-1G>A

Gene: CDC14A (cell division cycle 14A; plus strand). Cytogenetic location: 1p21.2.
Variant type: single nucleotide variant.
Coding change: c.-1G>A on transcript NM_003672.4 (MANE Select); 1 bases upstream of the start codon, G replaced by A.
Molecular consequence: 5 prime UTR variant. On other transcripts: intron variant (1).
Genome position (GRCh38, 1-based): chr1:100,352,954, G>A. VCF-style: chr1-100352954-G-A. GRCh37 (hg19) VCF-style: chr1-100818510-G-A.
Other names: c.-1G>A (NM_001319210.2, NM_033312.3, NM_033313.3); c.-792G>A (NM_001319212.2); c.-125-808G>A (NM_001319211.2).
Identifiers: ClinVar variation 4986183 (VCV004986183.1).